The following is an entry in ClinVar:

NM_006019.4(TCIRG1):c.355C>T (p.Arg119Trp)

Gene: TCIRG1 (T cell immune regulator 1, ATPase H+ transporting V0 subunit a3; plus strand). Cytogenetic location: 11q13.2.
Variant type: single nucleotide variant.
Coding change: c.355C>T on transcript NM_006019.4 (MANE Select); coding-DNA position 355, C replaced by T.
Protein change: p.Arg119Trp; replaces arginine 119 with tryptophan.
Molecular consequence: missense variant. On other transcripts: 5 prime UTR variant (1).
Genome position (GRCh38, 1-based): chr11:68,042,801, C>T. VCF-style: chr11-68042801-C-T. GRCh37 (hg19) VCF-style: chr11-67810268-C-T.
Other names: c.-895C>T (NM_001351059.2); short protein forms R119W.
Identifiers: ClinVar variation 2156562 (VCV002156562.2), dbSNP rs1307439139, ClinGen allele CA381576272.

ClinVar aggregate classification (germline): Uncertain significance (1 of 4 stars; one submission).

Allele frequency attached by ClinVar (database versions not stated): gnomAD 0.00001; gnomAD exomes 0.00001; TOPMed 0.00001.
gnomAD v4.1: 12 of 1,548,324 alleles (0.00078%); highest among the groups gnomAD compares: Admixed American, 0.0039%; no homozygotes.

Submission:

Labcorp Genetics (formerly Invitae), Labcorp
Classification: Uncertain significance. Last evaluated: 2024-04-30. Review status: criteria provided, single submitter. Criteria: Invitae Variant Classification Sherloc (09022015). Collection method: clinical testing. Allele origin: germline.
Comment: This sequence change replaces arginine, which is basic and polar, with tryptophan, which is neutral and slightly polar, at codon 119 of the TCIRG1 protein (p.Arg119Trp). The frequency data for this variant in the population databases is considered unreliable, as metrics indicate poor data quality at this position in the gnomAD database. This variant has not been reported in the literature in individuals affected with TCIRG1-related conditions. ClinVar contains an entry for this variant (Variation ID: 2156562). Advanced modeling of protein sequence and biophysical properties (such as structural, functional, and spatial information, amino acid conservation, physicochemical variation, residue mobility, and thermodynamic stability) performed at Invitae indicates that this missense variant is expected to disrupt TCIRG1 protein function with a positive predictive value of 80%. In summary, the available evidence is currently insufficient to determine the role of this variant in disease. Therefore, it has been classified as a Variant of Uncertain Significance.